The following is an entry in ClinVar:

ClinVar aggregate classification (germline): Conflicting classifications of pathogenicity. Review status: criteria provided, conflicting classifications (1 of 4 stars). 2 submissions from 2 submitters: Uncertain significance (1); Likely benign (1). Last evaluated 2023-12-20.

Conditions:
Hereditary cancer-predisposing syndrome. Also called: Neoplastic Syndromes, Hereditary; Hereditary Cancer Syndrome; Hereditary neoplastic syndrome; Tumor predisposition. Identifiers: Orphanet 140162, MedGen C0027672, MeSH D009386, MONDO:0015356.
Ataxia-telangiectasia syndrome (AT). Also called: ATAXIA-TELANGIECTASIA, COMPLEMENTATION GROUP A; ATAXIA-TELANGIECTASIA, FRESNO VARIANT; Ataxia-telangiectasia, complementation group E; Ataxia telangiectasia (A-T); LOUIS-BAR SYNDROME; Cerebello-oculocutaneous telangiectasia. Identifiers: Orphanet 100, MedGen C0004135, MONDO:0008840, OMIM 208900.

Submissions (2):

Labcorp Genetics (formerly Invitae), Labcorp
Classification: Uncertain significance for Ataxia-telangiectasia syndrome. Last evaluated: 2023-12-20. Review status: criteria provided, single submitter. Criteria: Invitae Variant Classification Sherloc (09022015). Collection method: clinical testing. Allele origin: germline.
Comment: This sequence change falls in intron 26 of the ATM gene. It does not directly change the encoded amino acid sequence of the ATM protein. It affects a nucleotide within the consensus splice site. This variant is not present in population databases (gnomAD no frequency). This variant has not been reported in the literature in individuals affected with ATM-related conditions. ClinVar contains an entry for this variant (Variation ID: 824465). Variants that disrupt the consensus splice site are a relatively common cause of aberrant splicing (PMID: 17576681, 9536098). Algorithms developed to predict the effect of sequence changes on RNA splicing suggest that this variant is not likely to affect RNA splicing. In summary, the available evidence is currently insufficient to determine the role of this variant in disease. Therefore, it has been classified as a Variant of Uncertain Significance.

Ambry Genetics
Classification: Likely benign for Hereditary cancer-predisposing syndrome. Last evaluated: 2021-04-15. Review status: criteria provided, single submitter. Criteria: Ambry Variant Classification Scheme 2023. Collection method: clinical testing. Allele origin: germline.

Literature cited by the submitters: PubMed 17576681 (cited by Labcorp Genetics (formerly Invitae), Labcorp); PubMed 9536098 (cited by Labcorp Genetics (formerly Invitae), Labcorp).

NM_000051.4(ATM):c.3993+5G>A

Gene: ATM (ATM serine/threonine kinase; plus strand). Cytogenetic location: 11q22.3.
Variant type: single nucleotide variant.
Coding change: c.3993+5G>A on transcript NM_000051.4 (MANE Select); 5 bases into the intron after coding-DNA position 3993, G replaced by A.
Molecular consequence: intron variant.
Genome position (GRCh38, 1-based): chr11:108,284,478, G>A. VCF-style: chr11-108284478-G-A. GRCh37 (hg19) VCF-style: chr11-108155205-G-A.
Other names: c.3993+5G>A (NM_001351834.2).
Identifiers: ClinVar variation 824465 (VCV000824465.7), dbSNP rs3092842, ClinGen allele CA915944408.
Genomic context (GRCh38, chr11:108,284,478, plus strand): 5'-AGACTGCTACCAAGGTCTATGATATGCTTAAAAGTGAAAACTTATTGGGAAAACAGGTAT[G>A]GCTTCAATTTTTATGTACTTTTCATTCCCTGAATGATATGAGATATAACCTTTAAGTTTT-3'